The following is an entry in ClinVar:

ClinVar aggregate classification (germline): Likely pathogenic (1 of 4 stars; one submission).

Conditions:
3-methylglutaconic aciduria with deafness, encephalopathy, and Leigh-like syndrome (MEGDEL). Also called: SERAC1 Deficiency; MEGDEL syndrome; 3-METHYLGLUTACONIC ACIDURIA, TYPE VI. Identifiers: Orphanet 352328, MedGen C4040739, MONDO:0013875, OMIM 614739.

Submission:

Hadassah Hebrew University Medical Center
Classification: Likely pathogenic for 3-methylglutaconic aciduria with deafness, encephalopathy, and Leigh-like syndrome. Last evaluated: 2025-10-01. Review status: criteria provided, single submitter. Criteria: ACMG Guidelines, 2015. Collection method: clinical testing. Allele origin: germline. Affected: yes.
Comment: This deep intronic variant is located in intron 13 of the SERAC1 gene. RNA studies demonstrated that this variant leads to aberrant mRNA splicing, resulting in loss of function.

NM_032861.4(SERAC1):c.1403+297_1403+298del

Gene: SERAC1 (serine active site containing 1; minus strand). Cytogenetic location: 6q25.3.
Variant type: Deletion.
Coding change: c.1403+297_1403+298del on transcript NM_032861.4 (MANE Select); bases 297 to 298 of the intron after coding-DNA position 1403, 2 bases deleted (AA; older notation c.1403+297_1403+298delAA).
Molecular consequence: intron variant.
Genome position (GRCh38, 1-based): chr6:158,117,429-158,117,430, TT deleted on the plus strand (AA on the coding strand, the reverse complement: SERAC1 is on the minus strand); deleting any 2 consecutive bases within chr6:158,117,429-158,117,432 gives the same sequence; the c. name uses the placement nearest the transcript's 3' end. VCF-style (leftmost placement, unchanged base first): chr6-158117428-CTT-C. GRCh37 (hg19) VCF-style: chr6-158538460-CTT-C.
Identifiers: ClinVar variation 4526663 (VCV004526663.1).
Genomic context (GRCh38, chr6:158,117,428, plus strand): 5'-ATCTTTCTCTTTGCTTCCTTTAGCCAGTATGATTGTGGACACAAGAACAAAAAAACATCA[CTT>C]TTACTTCTGATAGAAAAGGAGACTGCTAGACAATCCACGATCCTTCACTATTAGAACAGT-3'